The following is an entry in ClinVar:

NM_005359.6(SMAD4):c.2T>C (p.Met1Thr)

Gene: SMAD4 (SMAD family member 4; plus strand). Cytogenetic location: 18q21.2.
Variant type: single nucleotide variant.
Coding change: c.2T>C on transcript NM_005359.6 (MANE Select); coding-DNA position 2, T replaced by C.
Protein change: p.Met1Thr; changes the start codon (methionine 1).
Molecular consequence: missense variant, initiator codon variant.
Genome position (GRCh38, 1-based): chr18:51,047,048, T>C. VCF-style: chr18-51047048-T-C. GRCh37 (hg19) VCF-style: chr18-48573418-T-C.
Other names: c.2T>C, p.Met1Thr (NM_001407041.1, NM_001407042.1, NM_001407043.1); short protein forms M1T.
Identifiers: ClinVar variation 2179565 (VCV002179565.6), dbSNP rs1372924000, ClinGen allele CA402457190.
Genomic context (GRCh38, chr18:51,047,048, plus strand): 5'-GATCAAAATTGCTTCAGAAATTGGAGACATATTTGATTTAAAAGGAAAAACTTGAACAAA[T>C]GGACAATATGTCTATTACGAATACACCAACAAGTAATGATGCCTGTCTGAGCATTGTGCA-3'
Protein context (NP_005350.1, residues 1-11): [Met1Thr]DNMSITNTPT

ClinVar aggregate classification (germline): Uncertain significance. Review status: criteria provided, multiple submitters, no conflicts (2 of 4 stars). 2 submissions from 2 submitters: Uncertain significance (2). Last evaluated 2026-01-07.

Conditions:
Familial thoracic aortic aneurysm and aortic dissection (TAAD). Also called: Thoracic aortic aneurysms and dissections. Identifiers: Orphanet 91387, MedGen C4707243, MONDO:0019625.
Hereditary cancer-predisposing syndrome. Also called: Neoplastic Syndromes, Hereditary; Tumor predisposition; Hereditary Cancer Syndrome; Hereditary neoplastic syndrome. Identifiers: Orphanet 140162, MedGen C0027672, MeSH D009386, MONDO:0015356.
Juvenile polyposis syndrome (JPS). Identifiers: Orphanet 2929, MedGen C0345893, MONDO:0017380, OMIM 174900.

Allele frequency attached by ClinVar (database versions not stated): gnomAD exomes below 0.00001; gnomAD 0.00001.

Submissions (2):

Labcorp Genetics (formerly Invitae), Labcorp
Classification: Uncertain significance for Juvenile polyposis syndrome. Last evaluated: 2026-01-07. Review status: criteria provided, single submitter. Criteria: Invitae Variant Classification Sherloc (09022015). Collection method: clinical testing. Allele origin: germline.
Comment: This sequence change affects the initiator codon of the SMAD4 mRNA. This change may impact translation initiation or efficiency. The next in-frame methionine is located at codon 4. This variant is present in population databases (no rsID available, gnomAD 0.003%). This variant has not been reported in the literature in individuals affected with SMAD4-related conditions. ClinVar contains an entry for this variant (Variation ID: 2179565). Experimental studies and prediction algorithms are not available or were not evaluated, and the functional significance of this variant is currently unknown. In summary, the available evidence is currently insufficient to determine the role of this variant in disease. Therefore, it has been classified as a Variant of Uncertain Significance.

Ambry Genetics
Classification: Uncertain significance for Hereditary cancer-predisposing syndrome; Familial thoracic aortic aneurysm and aortic dissection. Last evaluated: 2023-10-27. Review status: criteria provided, single submitter. Criteria: Ambry Variant Classification Scheme 2023. Collection method: clinical testing. Allele origin: germline.
Comment: The p.M1? variant (also known as c.2T>C) is located in coding exon 1 of the SMAD4 gene and results from a T to C substitution at nucleotide position 2. This alters the methionine residue at the initiation codon (ATG). Variations that modify the initiation codon (ATG) are expected to result in either loss of translation initiation, N-terminal truncation, or cause a shift in the mRNA reading frame; however, there are two alternate in-frame methionine 4, and 24 amino acids from the initiation site, which may result in N-terminal truncation of unknown functional significance. Since supporting evidence is limited at this time, the clinical significance of this alteration remains unclear.